The following is an entry in ClinVar:

NM_024596.5(MCPH1):c.1430C>T (p.Thr477Ile)

Gene: MCPH1 (microcephalin 1; plus strand). Cytogenetic location: 8p23.1.
Variant type: single nucleotide variant.
Coding change: c.1430C>T on transcript NM_024596.5 (MANE Select); coding-DNA position 1430, C replaced by T.
Protein change: p.Thr477Ile; replaces threonine 477 with isoleucine.
Molecular consequence: missense variant. On other transcripts: non-coding transcript variant (1).
Genome position (GRCh38, 1-based): chr8:6,445,152, C>T. VCF-style: chr8-6445152-C-T. GRCh37 (hg19) VCF-style: chr8-6302673-C-T.
Other names: c.1430C>T (NM_024596.3); c.1430C>T, p.Thr477Ile (NM_001172574.2, NM_001322042.2, NM_001363979.1 and 1 more transcripts); c.1286C>T, p.Thr429Ile (NM_001172575.2); c.1424C>T, p.Thr475Ile (NM_001322043.2); c.1328C>T, p.Thr443Ile (NM_001322045.2); short protein forms T429I, T443I, T475I, T477I.
Identifiers: ClinVar variation 1333562 (VCV001333562.8), dbSNP rs926140350, ClinGen allele CA171404591.

ClinVar aggregate classification (germline): Uncertain significance. Review status: criteria provided, multiple submitters, no conflicts (2 of 4 stars). 3 submissions from 3 submitters: Uncertain significance (3). Last evaluated 2026-04-06.

Conditions:
Inborn genetic diseases. Identifiers: MedGen C0950123, MeSH D030342.
Microcephaly 1, primary, autosomal recessive (MCPH1). Also called: PREMATURE CHROMOSOME CONDENSATION SYNDROME; PCC SYNDROME; PREMATURE CHROMOSOME CONDENSATION WITH MICROCEPHALY AND MENTAL RETARDATION. Identifiers: Orphanet 2512, MedGen C1855081, MONDO:0009617, OMIM 251200.

Allele frequency attached by ClinVar (database versions not stated): TOPMed below 0.00001.
gnomAD v4.1: 4 of 1,614,242 alleles (0.00025%); highest among the groups gnomAD compares: East Asian, 0.0045%; no homozygotes.

Submissions (3):

Ambry Genetics
Classification: Uncertain significance for Inborn genetic diseases. Last evaluated: 2026-04-06. Review status: criteria provided, single submitter. Criteria: Ambry Variant Classification Scheme 2023. Collection method: clinical testing. Allele origin: germline.

Labcorp Genetics (formerly Invitae), Labcorp
Classification: Uncertain significance. Last evaluated: 2022-01-31. Review status: criteria provided, single submitter. Criteria: Invitae Variant Classification Sherloc (09022015). Collection method: clinical testing. Allele origin: germline.
Comment: This sequence change replaces threonine, which is neutral and polar, with isoleucine, which is neutral and non-polar, at codon 477 of the MCPH1 protein (p.Thr477Ile). This variant is present in population databases (no rsID available, gnomAD 0.01%). This variant has not been reported in the literature in individuals affected with MCPH1-related conditions. ClinVar contains an entry for this variant (Variation ID: 1333562). Algorithms developed to predict the effect of missense changes on protein structure and function output the following: SIFT: "Not Available"; PolyPhen-2: "Benign"; Align-GVGD: "Not Available". The isoleucine amino acid residue is found in multiple mammalian species, which suggests that this missense change does not adversely affect protein function. In summary, the available evidence is currently insufficient to determine the role of this variant in disease. Therefore, it has been classified as a Variant of Uncertain Significance.

3billion
Classification: Uncertain significance for Microcephaly 1, primary, autosomal recessive. Last evaluated: 2022-01-03. Review status: criteria provided, single submitter. Criteria: ACMG Guidelines, 2015. Collection method: clinical testing. Allele origin: germline. Affected: yes. Observed: 1 heterozygote.
Comment: The varaint is observed at an extremely low frequency in the gnomAD v2.1.1 dataset (total allele frequency: 0.000008, PM2_M). Therefore, this variant is classified as uncertain significance according to the recommendation of ACMG/AMP guideline.